The following is an entry in ClinVar:

NM_020297.4(ABCC9):c.3894T>A (p.Asp1298Glu)

Genes: ABCC9 (ATP binding cassette subfamily C member 9; minus strand), KCNJ8-AS1 (KCNJ8 antisense RNA 1; plus strand). Cytogenetic location: 12p12.1.
Variant type: single nucleotide variant.
Coding change: c.3894T>A on transcript NM_020297.4 (MANE Select); coding-DNA position 3894, T replaced by A.
Protein change: p.Asp1298Glu; replaces aspartic acid 1298 with glutamic acid.
Molecular consequence: missense variant.
Genome position (GRCh38, 1-based): chr12:21,815,892, A>T on the plus strand (T>A on the coding strand, the complement: ABCC9 is on the minus strand). VCF-style: chr12-21815892-A-T. GRCh37 (hg19) VCF-style: chr12-21968826-A-T.
Other names: c.3894T>A (NM_005691.2); c.3894T>A, p.Asp1298Glu (NM_001377273.1, NM_005691.4); c.3027T>A, p.Asp1009Glu (NM_001377274.1); short protein forms D1298E, D1009E.
Identifiers: ClinVar variation 1413139 (VCV001413139.9), dbSNP rs1411910709, ClinGen allele CA384136334.
Genomic context (GRCh38, chr12:21,815,892, plus strand): 5'-ACACAGATCATGTATCTTGATCTCCCCTTCTTGTGGCCAATGTTCTGGAACTTGAGAAGG[A>T]TCTGGAGGATGGGATGGGGAAATAGACAGATAATAGGCAGATAGAGATTGATGTAGAAAG-3'
Protein context (NP_064693.2, residues 1288-1308): MESENYEGTM[Asp1298Glu]PSQVPEHWPQ

ClinVar aggregate classification (germline): Uncertain significance. Review status: criteria provided, multiple submitters, no conflicts (2 of 4 stars). 2 submissions from 2 submitters: Uncertain significance (2). Last evaluated 2024-06-03.

Conditions:
Cardiovascular phenotype. Identifiers: MedGen CN230736.
Dilated cardiomyopathy 1O (CMD1O). Also called: CARDIOMYOPATHY, DILATED, WITH VENTRICULAR TACHYCARDIA. Identifiers: Orphanet 154, MedGen C1837839, MONDO:0012062, OMIM 608569.

Allele frequency attached by ClinVar (database versions not stated): gnomAD exomes below 0.00001; gnomAD 0.00001; TOPMed 0.00001.
gnomAD v4.1: 2 of 1,612,746 alleles (0.00012%); highest among the groups gnomAD compares: African/African-American, 0.0027%; no homozygotes.

Submissions (2):

Labcorp Genetics (formerly Invitae), Labcorp
Classification: Uncertain significance for Dilated cardiomyopathy 1O. Last evaluated: 2024-06-03. Review status: criteria provided, single submitter. Criteria: Invitae Variant Classification Sherloc (09022015). Collection method: clinical testing. Allele origin: germline.
Comment: This sequence change replaces aspartic acid, which is acidic and polar, with glutamic acid, which is acidic and polar, at codon 1298 of the ABCC9 protein (p.Asp1298Glu). This variant is present in population databases (no rsID available, gnomAD 0.007%). This variant has not been reported in the literature in individuals affected with ABCC9-related conditions. ClinVar contains an entry for this variant (Variation ID: 1413139). An algorithm developed to predict the effect of missense changes on protein structure and function (PolyPhen-2) suggests that this variant is likely to be tolerated. In summary, the available evidence is currently insufficient to determine the role of this variant in disease. Therefore, it has been classified as a Variant of Uncertain Significance.

Ambry Genetics
Classification: Uncertain significance for Cardiovascular phenotype. Last evaluated: 2022-11-28. Review status: criteria provided, single submitter. Criteria: Ambry Variant Classification Scheme 2023. Collection method: clinical testing. Allele origin: germline.
Comment: The p.D1298E variant (also known as c.3894T>A), located in coding exon 32 of the ABCC9 gene, results from a T to A substitution at nucleotide position 3894. The aspartic acid at codon 1298 is replaced by glutamic acid, an amino acid with highly similar properties. This amino acid position is highly conserved in available vertebrate species. In addition, the in silico prediction for this alteration is inconclusive. Since supporting evidence is limited at this time, the clinical significance of this alteration remains unclear.